The following is an entry in ClinVar:

NM_000257.4(MYH7):c.3813C>T (p.Asn1271=)

Gene: MYH7 (myosin heavy chain 7; minus strand). Cytogenetic location: 14q11.2.
Variant type: single nucleotide variant.
Coding change: c.3813C>T on transcript NM_000257.4 (MANE Select); coding-DNA position 3813, C replaced by T.
Protein change: p.Asn1271=; no amino-acid change (asparagine 1271 retained).
Molecular consequence: synonymous variant.
Genome position (GRCh38, 1-based): chr14:23,419,523, G>A on the plus strand (C>T on the coding strand, the complement: MYH7 is on the minus strand). VCF-style: chr14-23419523-G-A. GRCh37 (hg19) VCF-style: chr14-23888732-G-A.
Identifiers: ClinVar variation 1124579 (VCV001124579.13), dbSNP rs767389598, ClinGen allele CA039023.
Genomic context (GRCh38, chr14:23,419,523, plus strand): 5'-AGCCCCTGCTCTAGGCTCACCATTCTCGGTTTGCAACTTGGCCCGCTGGCTGGTGAGGTC[G>A]TTGACAGAACGCTGGGTCTCCTCCGCCTTGCTCCGGTGCTCATTCATCTGGTCTTCCAAG-3'
Protein context (NP_000248.2, residues 1261-1281): SKAEETQRSV[Asn1271=]DLTSQRAKLQ

ClinVar aggregate classification (germline): Benign/Likely benign. Review status: criteria provided, multiple submitters, no conflicts (2 of 4 stars). 5 submissions from 5 submitters: Benign (1); Likely benign (4). Last evaluated 2025-11-12.

Conditions:
Cardiomyopathy (CMYO). Also called: Cardiomyopathies. Identifiers: Orphanet 167848, MedGen C0878544, MONDO:0004994, HP:0001638. Inheritance: Various modes of inheritance.
Cardiovascular phenotype. Identifiers: MedGen CN230736.
Hypertrophic cardiomyopathy. Also called: HYPERTROPHIC MYOCARDIOPATHY. Identifiers: Orphanet 217569, MedGen C0007194, MeSH D002312, MONDO:0005045, HP:0001639.

Allele frequency attached by ClinVar (database versions not stated): ExAC 0.00001; gnomAD 0.00001 and 0.00002; gnomAD exomes 0.00001 and below 0.00001; TOPMed below 0.00001.
gnomAD v4.1: 16 of 1,614,136 alleles (0.00099%); highest among the groups gnomAD compares: East Asian, 0.0022%; no homozygotes.

Submissions (5):

Labcorp Genetics (formerly Invitae), Labcorp
Classification: Likely benign for Hypertrophic cardiomyopathy. Last evaluated: 2025-11-12. Review status: criteria provided, single submitter. Criteria: Invitae Variant Classification Sherloc (09022015). Collection method: clinical testing. Allele origin: germline.

All of Us Research Program, National Institutes of Health
Classification: Likely benign for Cardiomyopathy. Last evaluated: 2023-12-07. Review status: criteria provided, single submitter. Criteria: ACMG Guidelines, 2015. Collection method: clinical testing. Allele origin: germline. Inheritance: Autosomal dominant inheritance. Observed: 3 variant alleles, 3 heterozygotes.
Comment: This study involves interpretation of variants in research participants for the purpose of population health screening. Participant phenotype was not available at the time of variant classification. Additional details can be found in publication PMID: 35346344, PMCID: PMC8962531

Ambry Genetics
Classification: Likely benign for Cardiovascular phenotype. Last evaluated: 2022-12-01. Review status: criteria provided, single submitter. Criteria: Ambry Variant Classification Scheme 2023. Collection method: clinical testing. Allele origin: germline.

Color Diagnostics, LLC DBA Color Health
Classification: Likely benign for Cardiomyopathy. Last evaluated: 2021-12-07. Review status: criteria provided, single submitter. Criteria: ACMG Guidelines, 2015. Collection method: clinical testing. Allele origin: germline.

GeneDx
Classification: Benign. Last evaluated: 2015-03-03. Review status: criteria provided, single submitter. Criteria: GeneDx Variant Classification Process June 2021. Collection method: clinical testing. Allele origin: germline. Affected: yes.